The following is an entry in ClinVar:

NM_198525.3(KIF7):c.2611G>A (p.Glu871Lys)

Gene: KIF7 (kinesin family member 7; minus strand). Cytogenetic location: 15q26.1.
Variant type: single nucleotide variant.
Coding change: c.2611G>A on transcript NM_198525.3 (MANE Select); coding-DNA position 2611, G replaced by A.
Protein change: p.Glu871Lys; replaces glutamic acid 871 with lysine.
Molecular consequence: missense variant.
Genome position (GRCh38, 1-based): chr15:89,633,248, C>T on the plus strand (G>A on the coding strand, the complement: KIF7 is on the minus strand). VCF-style: chr15-89633248-C-T. GRCh37 (hg19) VCF-style: chr15-90176479-C-T.
Other names: short protein forms E871K.
Identifiers: ClinVar variation 1489250 (VCV001489250.4), dbSNP rs144359873, ClinGen allele CA7728064.
Genomic context (GRCh38, chr15:89,633,248, plus strand): 5'-TCTTCCTCTGGAATGCCGCGATCTCTTCCGTCTTAATCTTCAGGATCTTCTGCTGTTGCT[C>T]ATGCTTCAGCTCCAGCTCCTGGGTGAGGAGCTCAGTGGGCAGGGCTGTTTATGGTGCCAG-3'
Protein context (NP_940927.2, residues 861-881): HRVKELELKH[Glu871Lys]QQQKILKIKT

ClinVar aggregate classification (germline): Uncertain significance. Review status: criteria provided, multiple submitters, no conflicts (2 of 4 stars). 2 submissions from 2 submitters: Uncertain significance (2). Last evaluated 2022-09-19.

Conditions:
Acrocallosal syndrome (ACLS). Also called: Schinzel syndrome 1; Absence of corpus callosum with unusual facial appearance, mental deficiency, duplication of the halluces and polydactyly; HALLUX DUPLICATION, POSTAXIAL POLYDACTYLY, AND ABSENCE OF CORPUS CALLOSUM. Identifiers: Orphanet 36, MedGen C0796147, MONDO:0008708, OMIM 200990.

Allele frequency attached by ClinVar (database versions not stated): TOPMed 0.00003; ExAC 0.00008; ESP Exome Variant Server 0.00015.
gnomAD v4.1: 19 of 1,576,476 alleles (0.0012%); highest among the groups gnomAD compares: South Asian, 0.012%; no homozygotes.

Submissions (2):

Labcorp Genetics (formerly Invitae), Labcorp
Classification: Uncertain significance for Acrocallosal syndrome. Last evaluated: 2022-09-19. Review status: criteria provided, single submitter. Criteria: Invitae Variant Classification Sherloc (09022015). Collection method: clinical testing. Allele origin: germline.
Comment: This sequence change replaces glutamic acid, which is acidic and polar, with lysine, which is basic and polar, at codon 871 of the KIF7 protein (p.Glu871Lys). This variant is present in population databases (rs144359873, gnomAD 0.02%). This variant has not been reported in the literature in individuals affected with KIF7-related conditions. ClinVar contains an entry for this variant (Variation ID: 1489250). Advanced modeling of protein sequence and biophysical properties (such as structural, functional, and spatial information, amino acid conservation, physicochemical variation, residue mobility, and thermodynamic stability) performed at Invitae indicates that this missense variant is not expected to disrupt KIF7 protein function. In summary, the available evidence is currently insufficient to determine the role of this variant in disease. Therefore, it has been classified as a Variant of Uncertain Significance.

Blueprint Genetics
Classification: Uncertain significance. Last evaluated: 2022-02-23. Review status: criteria provided, single submitter. Criteria: ACMG Guidelines, 2015. Collection method: clinical testing. Allele origin: germline.